The following is an entry in ClinVar:

NM_144643.4(SCLT1):c.493T>C (p.Tyr165His)

Gene: SCLT1 (sodium channel and clathrin linker 1; minus strand). Cytogenetic location: 4q28.2.
Variant type: single nucleotide variant.
Coding change: c.493T>C on transcript NM_144643.4 (MANE Select); coding-DNA position 493, T replaced by C.
Protein change: p.Tyr165His; replaces tyrosine 165 with histidine.
Molecular consequence: missense variant.
Genome position (GRCh38, 1-based): chr4:128,999,728, A>G on the plus strand (T>C on the coding strand, the complement: SCLT1 is on the minus strand). VCF-style: chr4-128999728-A-G. GRCh37 (hg19) VCF-style: chr4-129920883-A-G.
Other names: c.493T>C, p.Tyr165His (NM_001410807.1); short protein forms Y165H.
Identifiers: ClinVar variation 2111759 (VCV002111759.4), dbSNP rs2530724062, ClinGen allele CA358189880.

ClinVar aggregate classification (germline): Uncertain significance (1 of 4 stars; one submission).

Allele frequency attached by ClinVar (database versions not stated): gnomAD exomes 0.00001.

Submission:

Labcorp Genetics (formerly Invitae), Labcorp
Classification: Uncertain significance. Last evaluated: 2022-03-14. Review status: criteria provided, single submitter. Criteria: Invitae Variant Classification Sherloc (09022015). Collection method: clinical testing. Allele origin: germline.
Comment: Algorithms developed to predict the effect of missense changes on protein structure and function (SIFT, PolyPhen-2, Align-GVGD) all suggest that this variant is likely to be disruptive. This variant has not been reported in the literature in individuals affected with SCLT1-related conditions. This variant is not present in population databases (gnomAD no frequency). This sequence change replaces tyrosine, which is neutral and polar, with histidine, which is basic and polar, at codon 165 of the SCLT1 protein (p.Tyr165His). In summary, the available evidence is currently insufficient to determine the role of this variant in disease. Therefore, it has been classified as a Variant of Uncertain Significance.